The following is an entry in ClinVar:

ClinVar aggregate classification (germline): Uncertain significance (1 of 4 stars; one submission).

Submission:

GeneDx
Classification: Uncertain significance. Last evaluated: 2023-11-19. Review status: criteria provided, single submitter. Criteria: GeneDx Variant Classification Process June 2021. Collection method: clinical testing. Allele origin: germline. Affected: yes.
Comment: Frameshift variant predicted to result in abnormal protein length as the last 126 amino acids are replaced with 96 different amino acids in a gene for which loss-of-function is not an established mechanism of disease; Has not been previously published as pathogenic or benign to our knowledge

NM_001367479.1(DNAH14):c.13475_13478del (p.Val4492fs)

Gene: DNAH14 (dynein axonemal heavy chain 14; plus strand). Cytogenetic location: 1q42.12.
Variant type: Deletion.
Coding change: c.13475_13478del on transcript NM_001367479.1 (MANE Select); coding-DNA positions 13475 to 13478, 4 bases deleted (TCAG; older notation c.13475_13478delTCAG).
Protein change: p.Val4492fs; shifts the reading frame from valine 4492.
Molecular consequence: frameshift variant.
Genome position (GRCh38, 1-based): chr1:225,392,435-225,392,438, TCAG deleted; deleting any 4 consecutive bases within chr1:225,392,433-225,392,438 gives the same sequence; the c. name uses the placement nearest the transcript's 3' end. VCF-style (leftmost placement, unchanged base first): chr1-225392432-TAGTC-T. GRCh37 (hg19) VCF-style: chr1-225580134-TAGTC-T.
Other names: NM_001373.1:c.13169_13172del; short protein forms V4492fs.
Identifiers: ClinVar variation 3364354 (VCV003364354.1).
Genomic context (GRCh38, chr1:225,392,432, plus strand): 5'-TTTCCAACACCACTGACAAGGATGAGAAGTTCTCCGTATTTATGCCAAAGAAACTCAACA[TAGTC>T]AGGAGAGCGTTTAAGGTACTGGAATACTTCAAGGATTAGAAACGGTGATCATTCATTCAT-3'